The following is an entry in ClinVar:

NM_014956.5(CEP164):c.3869C>T (p.Pro1290Leu)

Gene: CEP164 (centrosomal protein 164; plus strand). Cytogenetic location: 11q23.3.
Variant type: single nucleotide variant.
Coding change: c.3869C>T on transcript NM_014956.5 (MANE Select); coding-DNA position 3869, C replaced by T.
Protein change: p.Pro1290Leu; replaces proline 1290 with leucine.
Molecular consequence: missense variant.
Genome position (GRCh38, 1-based): chr11:117,409,738, C>T. VCF-style: chr11-117409738-C-T. GRCh37 (hg19) VCF-style: chr11-117280454-C-T.
Other names: c.3854C>T, p.Pro1285Leu (NM_001271933.2); short protein forms P1285L, P1290L.
Identifiers: ClinVar variation 1302720 (VCV001302720.7), dbSNP rs377394847, ClinGen allele CA6295602.

ClinVar aggregate classification (germline): Uncertain significance. Review status: criteria provided, multiple submitters, no conflicts (2 of 4 stars). 5 submissions from 5 submitters: Uncertain significance (5). Last evaluated 2025-05-08.

Conditions:
CEP164-related disorder. Also called: CEP164-related condition.
Nephronophthisis 15 (NPHP15). Identifiers: Orphanet 3156, MedGen C3541853, MONDO:0013917, OMIM 614845.

Allele frequency attached by ClinVar (database versions not stated): gnomAD exomes 0.00005; TOPMed 0.00005; ExAC 0.00006; gnomAD 0.00006; ESP Exome Variant Server 0.00008.
gnomAD v4.1: 75 of 1,613,906 alleles (0.0046%); highest among the groups gnomAD compares: South Asian, 0.0055%; 1 homozygote.

Submissions (5):

PreventionGenetics, part of Exact Sciences
Classification: Uncertain significance for CEP164-related condition. Last evaluated: 2025-05-08. Review status: criteria provided, single submitter. Criteria: ACMG Guidelines, 2015. Collection method: clinical testing. Allele origin: germline.
Comment: The CEP164 c.3869C>T variant is predicted to result in the amino acid substitution p.Pro1290Leu. To our knowledge, this variant has not been reported in the literature. This variant is reported in 0.0078% of alleles in individuals of European (Non-Finnish) descent in gnomAD. At this time, the clinical significance of this variant is uncertain due to the absence of conclusive functional and genetic evidence.

Blueprint Genetics
Classification: Uncertain significance. Last evaluated: 2023-02-22. Review status: criteria provided, single submitter. Criteria: ACMG Guidelines, 2015. Collection method: clinical testing. Allele origin: germline.

Labcorp Genetics (formerly Invitae), Labcorp
Classification: Uncertain significance for Nephronophthisis 15. Last evaluated: 2022-10-14. Review status: criteria provided, single submitter. Criteria: Invitae Variant Classification Sherloc (09022015). Collection method: clinical testing. Allele origin: germline.
Comment: This sequence change replaces proline, which is neutral and non-polar, with leucine, which is neutral and non-polar, at codon 1290 of the CEP164 protein (p.Pro1290Leu). This variant is present in population databases (rs377394847, gnomAD 0.008%). This variant has not been reported in the literature in individuals affected with CEP164-related conditions. ClinVar contains an entry for this variant (Variation ID: 1302720). Algorithms developed to predict the effect of missense changes on protein structure and function output the following: SIFT: "Deleterious"; PolyPhen-2: "Benign"; Align-GVGD: "Class C0". The leucine amino acid residue is found in multiple mammalian species, which suggests that this missense change does not adversely affect protein function. In summary, the available evidence is currently insufficient to determine the role of this variant in disease. Therefore, it has been classified as a Variant of Uncertain Significance.

Fulgent Genetics
Classification: Uncertain significance for Nephronophthisis 15. Last evaluated: 2022-05-17. Review status: criteria provided, single submitter. Criteria: ACMG Guidelines, 2015. Collection method: clinical testing. Allele origin: unknown.

GeneDx
Classification: Uncertain significance. Last evaluated: 2019-04-30. Review status: criteria provided, single submitter. Criteria: GeneDx Variant Classification Process June 2021. Collection method: clinical testing. Allele origin: germline. Affected: yes.
Comment: In silico analysis, which includes protein predictors and evolutionary conservation, supports a deleterious effect; Has not been previously published as pathogenic or benign to our knowledge